The following is an entry in ClinVar:

NM_178822.5(IGSF10):c.1671T>C (p.Asp557=)

Gene: IGSF10 (immunoglobulin superfamily member 10; minus strand). Cytogenetic location: 3q25.1.
Variant type: single nucleotide variant.
Coding change: c.1671T>C on transcript NM_178822.5 (MANE Select); coding-DNA position 1671, T replaced by C.
Protein change: p.Asp557=; no amino-acid change (aspartic acid 557 retained).
Molecular consequence: synonymous variant.
Genome position (GRCh38, 1-based): chr3:151,448,310, A>G on the plus strand (T>C on the coding strand, the complement: IGSF10 is on the minus strand). VCF-style: chr3-151448310-A-G. GRCh37 (hg19) VCF-style: chr3-151166098-A-G.
Other names: c.1671T>C, p.Asp557= (NM_001385060.1, NM_001385061.1, NM_001385062.1 and 1 more transcripts).
Identifiers: ClinVar variation 3043628 (VCV003043628.4), dbSNP rs201684098, ClinGen allele CA2670500.
Genomic context (GRCh38, chr3:151,448,310, plus strand): 5'-CTGATAGGCTTCGACCAAAGGTTCTACCACAGTTATCCTATAGGTGAGAATATCTGCATC[A>G]TCATAATTGCTGCTTATACAGTGATATACGCCTGTGTCAAAACTATCAGCCATCTGGAGT-3'
Protein context (NP_849144.2, residues 547-567): GVYHCISSNY[Asp557=]DADILTYRIT

ClinVar aggregate classification (germline): Benign. Review status: criteria provided, single submitter (1 of 4 stars). 2 submissions from 2 submitters: Benign (1). 1 of the submissions does not count toward it. Last evaluated 2025-10-02.

Conditions:
IGSF10-related disorder. Also called: IGSF10-related condition.

Allele frequency attached by ClinVar (database versions not stated): gnomAD 0.00021; 1000 Genomes Project 30x 0.00047; ExAC 0.00058; TOPMed 0.00020; gnomAD exomes 0.00023; 1000 Genomes Project 0.00060.
gnomAD v4.1: 373 of 1,614,238 alleles (0.023%); highest among the groups gnomAD compares: East Asian, 0.29%; 4 homozygotes.

Submissions (2):

Labcorp Genetics (formerly Invitae), Labcorp
Classification: Benign. Last evaluated: 2025-10-02. Review status: criteria provided, single submitter. Criteria: Invitae Variant Classification Sherloc (09022015). Collection method: clinical testing. Allele origin: germline.

PreventionGenetics, part of Exact Sciences
Classification: Likely benign for IGSF10-related condition. Last evaluated: 2019-05-28. Review status: no assertion criteria provided. Collection method: clinical testing. Allele origin: germline. Not counted in ClinVar's aggregate classification.
Comment: This variant is classified as likely benign based on ACMG/AMP sequence variant interpretation guidelines (Richards et al. 2015 PMID: 25741868, with internal and published modifications).